The following is an entry in ClinVar:

NM_004519.4(KCNQ3):c.137C>T (p.Ala46Val)

Gene: KCNQ3 (potassium voltage-gated channel subfamily Q member 3; minus strand). Cytogenetic location: 8q24.22.
Variant type: single nucleotide variant.
Coding change: c.137C>T on transcript NM_004519.4 (MANE Select); coding-DNA position 137, C replaced by T.
Protein change: p.Ala46Val; replaces alanine 46 with valine.
Molecular consequence: missense variant.
Genome position (GRCh38, 1-based): chr8:132,480,396, G>A on the plus strand (C>T on the coding strand, the complement: KCNQ3 is on the minus strand). VCF-style: chr8-132480396-G-A. GRCh37 (hg19) VCF-style: chr8-133492643-G-A.
Other names: c.137C>T (NM_004519.3); short protein forms A46V.
Identifiers: ClinVar variation 1989121 (VCV001989121.5), dbSNP rs1452782861, ClinGen allele CA372292822.
Genomic context (GRCh38, chr8:132,480,396, plus strand): 5'-GTCCCGTCTTTGTCGGCTCCGGCCCCGAGCGCCAAGGTGACTTGCTCCACGTCGCCGGGC[G>A]CCAGCCCCACTTTCCGCTCCTCGTCGCCGGCCGCCGCCGCGTCCCCTCCGGCTGGGTTAG-3'
Protein context (NP_004510.1, residues 36-56): AGDEERKVGL[Ala46Val]PGDVEQVTLA

ClinVar aggregate classification (germline): Uncertain significance. Review status: criteria provided, multiple submitters, no conflicts (2 of 4 stars). 2 submissions from 2 submitters: Uncertain significance (2). Last evaluated 2025-09-11.

Conditions:
Benign neonatal seizures. Also called: Benign familial neonatal epilepsy; Convulsions benign familial neonatal dominant form; Autosomal dominant form of benign neonatal seizures; Benign neonatal familial convulsions; Benign familial neonatal seizures. Identifiers: Orphanet 1949, MedGen C0220669, MONDO:0016027.
KCNQ3-related disorder. Also called: KCNQ3-Related Disorders; KCNQ3-related condition. Identifiers: MedGen CN381530.

gnomAD v4.1: 3 of 1,543,268 alleles (0.00019%); highest among the groups gnomAD compares: Non-Finnish European, 0.00026%; no homozygotes.

Submissions (2):

PreventionGenetics, part of Exact Sciences
Classification: Uncertain significance for KCNQ3-related condition. Last evaluated: 2025-09-11. Review status: criteria provided, single submitter. Criteria: ACMG Guidelines, 2015. Collection method: clinical testing. Allele origin: germline.
Comment: The KCNQ3 c.137C>T variant is predicted to result in the amino acid substitution p.Ala46Val. To our knowledge, this variant has not been reported in the literature or in a large population database (gnomAD), indicating this variant is rare. At this time, the clinical significance of this variant is uncertain due to the absence of conclusive functional and genetic evidence.

Labcorp Genetics (formerly Invitae), Labcorp
Classification: Uncertain significance for Benign neonatal seizures. Last evaluated: 2023-12-09. Review status: criteria provided, single submitter. Criteria: Invitae Variant Classification Sherloc (09022015). Collection method: clinical testing. Allele origin: germline.
Comment: This sequence change replaces alanine, which is neutral and non-polar, with valine, which is neutral and non-polar, at codon 46 of the KCNQ3 protein (p.Ala46Val). This variant is not present in population databases (gnomAD no frequency). This variant has not been reported in the literature in individuals affected with KCNQ3-related conditions. ClinVar contains an entry for this variant (Variation ID: 1989121). Advanced modeling of protein sequence and biophysical properties (such as structural, functional, and spatial information, amino acid conservation, physicochemical variation, residue mobility, and thermodynamic stability) performed at Invitae indicates that this missense variant is not expected to disrupt KCNQ3 protein function with a negative predictive value of 95%. In summary, the available evidence is currently insufficient to determine the role of this variant in disease. Therefore, it has been classified as a Variant of Uncertain Significance.